The following is an entry in ClinVar:

ClinVar aggregate classification (germline): Conflicting classifications of pathogenicity. Review status: criteria provided, conflicting classifications (1 of 4 stars). 4 submissions from 4 submitters: Uncertain significance (3); Likely benign (1). Last evaluated 2026-01-22.

Conditions:
Hereditary cancer-predisposing syndrome. Also called: Hereditary Cancer Syndrome; Hereditary neoplastic syndrome; Neoplastic Syndromes, Hereditary; Tumor predisposition. Identifiers: Orphanet 140162, MedGen C0027672, MeSH D009386, MONDO:0015356.
Rhabdoid tumor predisposition syndrome 2 (RTPS2). Identifiers: Orphanet 231108, Orphanet 69077, MedGen C2750074, MONDO:0013224, OMIM 613325.

Submissions (4):

Labcorp Genetics (formerly Invitae), Labcorp
Classification: Uncertain significance for Rhabdoid tumor predisposition syndrome 2. Last evaluated: 2026-01-22. Review status: criteria provided, single submitter. Criteria: Invitae Variant Classification Sherloc (09022015). Collection method: clinical testing. Allele origin: germline.
Comment: This variant, c.708_731dup, results in the insertion of 8 amino acid(s) of the SMARCA4 protein (p.Gly237_Pro244dup), but otherwise preserves the integrity of the reading frame. This variant is present in population databases (no rsID available, gnomAD 0.01%). This variant has not been reported in the literature in individuals affected with SMARCA4-related conditions. ClinVar contains an entry for this variant (Variation ID: 408615). Experimental studies and prediction algorithms are not available or were not evaluated, and the functional significance of this variant is currently unknown. In summary, the available evidence is currently insufficient to determine the role of this variant in disease. Therefore, it has been classified as a Variant of Uncertain Significance.

GeneDx
Classification: Uncertain significance. Last evaluated: 2024-05-26. Review status: criteria provided, single submitter. Criteria: GeneDx Variant Classification Process June 2021. Collection method: clinical testing. Allele origin: germline. Affected: yes.
Comment: In-frame insertion of 8 amino acids in a repetitive region with no known function; Has not been previously published as pathogenic or benign to our knowledge

Ambry Genetics
Classification: Likely benign for Hereditary cancer-predisposing syndrome. Last evaluated: 2021-04-29. Review status: criteria provided, single submitter. Criteria: Ambry Variant Classification Scheme 2023. Collection method: clinical testing. Allele origin: germline.

Sema4
Classification: Uncertain significance for Hereditary cancer-predisposing syndrome. Last evaluated: 2021-04-10. Review status: criteria provided, single submitter. Criteria: Sema4 Curation Guidelines. Collection method: curation. Allele origin: germline.
Comment: The SMARCA4 c.708_731dup (p.P244_A245dupGPGPGPGP) variant has not been reported in the literature to our knowledge. This variant results in the insertion of 8 amino acids to the SMARCA4 protein without altering the integrity of the reading frame. It was observed in 1/8668 chromosomes of the African/African American subpopulation in the large and broad cohorts of the Genome Aggregation Database (PMID: 32461654). The variant has been reported in ClinVar (Variation ID 408615). The evidence is insufficient to meet ACMG/AMP criteria for classifying the variant as benign or pathogenic. Thus, the clinical significance of this variant is currently uncertain.

NM_003072.5(SMARCA4):c.708_731dup (p.229GP[12])

Gene: SMARCA4 (SWI/SNF related BAF chromatin remodeling complex subunit ATPase 4; plus strand). Cytogenetic location: 19p13.2.
Variant type: Duplication.
Coding change: c.708_731dup on transcript NM_003072.5 (MANE Select); coding-DNA positions 708 to 731, 24 bases duplicated (TGGCCCCGGCCCGGGTCCCGGCCC).
Protein change: p.229GP[12].
Molecular consequence: inframe insertion. On other transcripts: non-coding transcript variant (1).
Genome position (GRCh38, 1-based): chr19:10,986,541-10,986,564, TGGCCCCGGCCCGGGTCCCGGCCC duplicated; duplicating any 24 consecutive bases within chr19:10,986,536-10,986,564 gives the same sequence; the c. name uses the placement nearest the transcript's 3' end. VCF-style (leftmost placement, unchanged base first): chr19-10986535-T-TGGCCCTGGCCCCGGCCCGGGTCCC. GRCh37 (hg19) VCF-style: chr19-11097211-T-TGGCCCTGGCCCCGGCCCGGGTCCC.
Other names: c.708_731dup (NM_001128849.1); c.708_731dup, p.229GP[12] (NM_001128844.3, NM_001128845.2, NM_001128846.2 and 5 more transcripts).
Identifiers: ClinVar variation 408615 (VCV000408615.14), dbSNP rs1555753690, ClinGen allele CA16615870.